The following is an entry in ClinVar:

ClinVar aggregate classification (germline): Benign/Likely benign. Review status: criteria provided, multiple submitters, no conflicts (2 of 4 stars). 3 submissions from 3 submitters: Benign (2); Likely benign (1). Last evaluated 2024-02-01.

Allele frequency attached by ClinVar (database versions not stated): gnomAD exomes 0.00014 and 0.00032; 1000 Genomes Project 0.00080; 1000 Genomes Project 30x 0.00109; gnomAD 0.00166 and 0.00152; TOPMed 0.00166; ESP Exome Variant Server 0.00161.
gnomAD v4.1: 434 of 1,611,454 alleles (0.027%); highest among the groups gnomAD compares: African/African-American, 0.55%; no homozygotes.

Submissions (3):

CeGaT Center for Human Genetics Tuebingen
Classification: Likely benign. Last evaluated: 2024-02-01. Review status: criteria provided, single submitter. Criteria: CeGaT Center For Human Genetics Tuebingen Variant Classification Criteria Version 2. Collection method: clinical testing. Allele origin: germline. Affected: yes. Observed: 1 variant allele.
Comment: WAC: BP4, BP7

GeneDx
Classification: Benign. Last evaluated: 2019-03-26. Review status: criteria provided, single submitter. Criteria: GeneDx Variant Classification Process June 2021. Collection method: clinical testing. Allele origin: germline. Affected: yes.

Labcorp Genetics (formerly Invitae), Labcorp
Classification: Benign. Last evaluated: 2018-03-19. Review status: criteria provided, single submitter. Criteria: Invitae Variant Classification Sherloc (09022015). Collection method: clinical testing. Allele origin: germline.

NM_016628.5(WAC):c.1251G>A (p.Thr417=)

Gene: WAC (WW domain containing adaptor with coiled-coil; plus strand). Cytogenetic location: 10p12.1.
Variant type: single nucleotide variant.
Coding change: c.1251G>A on transcript NM_016628.5 (MANE Select); coding-DNA position 1251, G replaced by A.
Protein change: p.Thr417=; no amino-acid change (threonine 417 retained).
Molecular consequence: synonymous variant.
Genome position (GRCh38, 1-based): chr10:28,610,784, G>A. VCF-style: chr10-28610784-G-A. GRCh37 (hg19) VCF-style: chr10-28899713-G-A.
Other names: c.1116G>A, p.Thr372= (NM_100264.3); c.942G>A, p.Thr314= (NM_100486.4).
Identifiers: ClinVar variation 728156 (VCV000728156.27), dbSNP rs34574547, ClinGen allele CA5454982.